The following is an entry in ClinVar:

NM_001371928.1(AHDC1):c.4739G>T (p.Gly1580Val)

Gene: AHDC1 (AT-hook DNA binding motif containing 1; minus strand). Cytogenetic location: 1p36.11.
Variant type: single nucleotide variant.
Coding change: c.4739G>T on transcript NM_001371928.1 (MANE Select); coding-DNA position 4739, G replaced by T.
Protein change: p.Gly1580Val; replaces glycine 1580 with valine.
Molecular consequence: missense variant.
Genome position (GRCh38, 1-based): chr1:27,547,377, C>A on the plus strand (G>T on the coding strand, the complement: AHDC1 is on the minus strand). VCF-style: chr1-27547377-C-A. GRCh37 (hg19) VCF-style: chr1-27873888-C-A.
Other names: c.4739G>T, p.Gly1580Val (NM_001029882.3); c.695G>T, p.Gly232Val (NM_015699.1); short protein forms G1580V, G232V.
Identifiers: ClinVar variation 2504529 (VCV002504529.1), dbSNP rs2521768678, ClinGen allele CA339220202.
Genomic context (GRCh38, chr1:27,547,377, plus strand): 5'-ACGGTGAATGTGTCCTCGGGGTGAGGTTCCGCCATGGGCCCCAGGAAGCCGCTCTTGGGG[C>A]CCCCACCCAGGCCAGGATGCGCCTGGGGCATAAAGCCTGGGTACCTGTAGGCGGTGTCCT-3'
Protein context (NP_001358857.1, residues 1570-1590): MPQAHPGLGG[Gly1580Val]PKSGFLGPMA

ClinVar aggregate classification (germline): Uncertain significance (1 of 4 stars; one submission).

Submission:

GeneDx
Classification: Uncertain significance. Last evaluated: 2022-12-01. Review status: criteria provided, single submitter. Criteria: GeneDx Variant Classification Process June 2021. Collection method: clinical testing. Allele origin: germline. Affected: yes.
Comment: Not observed at significant frequency in large population cohorts (gnomAD); In silico analysis supports that this missense variant does not alter protein structure/function; Has not been previously published as pathogenic or benign to our knowledge